The following is an entry in ClinVar:

ClinVar aggregate classification (germline): Uncertain significance (1 of 4 stars; one submission).

Allele frequency attached by ClinVar (database versions not stated): gnomAD exomes below 0.00001 and 0.00001; TOPMed below 0.00001; ExAC 0.00001; gnomAD 0.00001.
gnomAD v4.1: 15 of 1,444,324 alleles (0.001%); highest among the groups gnomAD compares: Non-Finnish European, 0.0015%; no homozygotes.

Submission:

Labcorp Genetics (formerly Invitae), Labcorp
Classification: Uncertain significance. Last evaluated: 2022-10-24. Review status: criteria provided, single submitter. Criteria: Invitae Variant Classification Sherloc (09022015). Collection method: clinical testing. Allele origin: germline.
Comment: This sequence change falls in intron 60 of the ADGRV1 gene. It does not directly change the encoded amino acid sequence of the ADGRV1 protein. It affects a nucleotide within the consensus splice site. This variant is present in population databases (rs753448039, gnomAD 0.002%). This variant has not been reported in the literature in individuals affected with ADGRV1-related conditions. ClinVar contains an entry for this variant (Variation ID: 1423046). Variants that disrupt the consensus splice site are a relatively common cause of aberrant splicing (PMID: 17576681, 9536098). Algorithms developed to predict the effect of sequence changes on RNA splicing suggest that this variant may disrupt the consensus splice site. In summary, the available evidence is currently insufficient to determine the role of this variant in disease. Therefore, it has been classified as a Variant of Uncertain Significance.

Literature cited by the submitters: PubMed 17576681; PubMed 9536098.

NM_032119.4(ADGRV1):c.12403+5G>A

Gene: ADGRV1 (adhesion G protein-coupled receptor V1; plus strand). Cytogenetic location: 5q14.3.
Variant type: single nucleotide variant.
Coding change: c.12403+5G>A on transcript NM_032119.4 (MANE Select); 5 bases into the intron after coding-DNA position 12403, G replaced by A.
Molecular consequence: intron variant.
Genome position (GRCh38, 1-based): chr5:90,774,308, G>A. VCF-style: chr5-90774308-G-A. GRCh37 (hg19) VCF-style: chr5-90070125-G-A.
Identifiers: ClinVar variation 1423046 (VCV001423046.3), dbSNP rs753448039, ClinGen allele CA3341231.